The following is an entry in ClinVar:

ClinVar aggregate classification (germline): Uncertain significance (1 of 4 stars; one submission).

Conditions:
Congenital myasthenic syndrome 8. Also called: MYASTHENIC SYNDROME, CONGENITAL, DUE TO AGRIN DEFICIENCY; Myasthenic syndrome, congenital, 8, with pre- and postsynaptic defects. Identifiers: Orphanet 590, MedGen C3808739, MONDO:0014052, OMIM 615120.

Submission:

Labcorp Genetics (formerly Invitae), Labcorp
Classification: Uncertain significance for Congenital myasthenic syndrome 8. Last evaluated: 2023-03-31. Review status: criteria provided, single submitter. Criteria: Invitae Variant Classification Sherloc (09022015). Collection method: clinical testing. Allele origin: unknown.
Comment: In summary, the available evidence is currently insufficient to determine the role of this variant in disease. Therefore, it has been classified as a Variant of Uncertain Significance. Experimental studies and prediction algorithms are not available or were not evaluated, and the functional significance of this variant is currently unknown. This variant has not been reported in the literature in individuals affected with AGRN-related conditions. This variant results in a copy number gain of the genomic region encompassing exon(s) 3-36 of the AGRN gene. This region includes the termination codon of the gene. This copy number gain extends beyond the assayed region for this gene and therefore may encompass additional genes. As the precise location of this event is unknown, it may be in tandem or it may be located elsewhere in the genome.

NC_000001.10:g.(?_970637)_(990361_?)dup

Gene: AGRN (agrin; plus strand). Cytogenetic location: 1p36.33.
Variant type: Duplication.
Identifiers: ClinVar variation 3247826 (VCV003247826.1).